The following is an entry in ClinVar:

ClinVar aggregate classification (germline): Pathogenic. Review status: criteria provided, multiple submitters, no conflicts (2 of 4 stars). 3 submissions from 3 submitters: Pathogenic (3). Last evaluated 2025-11-03.

Conditions:
EXT1-related disorders.
Multiple congenital exostosis (EXT). Also called: MULTIPLE CARTILAGINOUS EXOSTOSES; Hereditary multiple osteochondromas; Hereditary multiple exostoses; Hereditary multiple exostosis; Multiple exostoses; Multiple osteochondromas. Identifiers: Orphanet 321, MedGen C0015306, MONDO:0005508, HP:0002762.

Allele frequency attached by ClinVar (database versions not stated): gnomAD exomes below 0.00001 and 0.00001.
gnomAD v4.1: 2 of 1,613,164 alleles (0.00012%); no homozygotes.

Submissions (3):

Labcorp Genetics (formerly Invitae), Labcorp
Classification: Pathogenic for Multiple congenital exostosis. Last evaluated: 2025-11-03. Review status: criteria provided, single submitter. Criteria: Invitae Variant Classification Sherloc (09022015). Collection method: clinical testing. Allele origin: germline.
Comment: This sequence change affects an acceptor splice site in intron 7 of the EXT1 gene. It is expected to disrupt RNA splicing. Variants that disrupt the donor or acceptor splice site typically lead to a loss of protein function (PMID: 16199547), and loss-of-function variants in EXT1 are known to be pathogenic (PMID: 10679937, 11391482, 19810120). The frequency data for this variant in the population databases is considered unreliable, as metrics indicate poor data quality at this position in the gnomAD database. Disruption of this splice site has been observed in individuals with multiple osteochondromas (PMID: 16088908). Invitae Evidence Modeling of clinical and family history, age, sex, and reported ancestry of multiple individuals with this EXT1 variant has been performed. This variant is expected to be pathogenic with a positive predictive value of at least 99%. This is a validated machine learning model that incorporates the clinical features of 66,185 individuals referred to our laboratory for EXT1 testing. ClinVar contains an entry for this variant (Variation ID: 645969). Algorithms developed to predict the effect of sequence changes on RNA splicing suggest that this variant may disrupt the consensus splice site. For these reasons, this variant has been classified as Pathogenic.

Blueprint Genetics
Classification: Pathogenic for EXT1-related disorders. Last evaluated: 2020-08-06. Review status: criteria provided, single submitter. Criteria: ACMG Guidelines, 2015. Collection method: clinical testing. Allele origin: germline. Affected: yes. Observed: 2 variant alleles.

CeGaT Center for Human Genetics Tuebingen
Classification: Pathogenic. Last evaluated: 2017-10-01. Review status: criteria provided, single submitter. Criteria: CeGaT Center For Human Genetics Tuebingen Variant Classification Criteria Version 2. Collection method: clinical testing. Allele origin: germline. Affected: yes. Observed: 1 variant allele.

Literature cited by the submitters: PubMed 16199547 (cited by Labcorp Genetics (formerly Invitae), Labcorp); PubMed 10679937 (cited by Labcorp Genetics (formerly Invitae), Labcorp); PubMed 11391482 (cited by Labcorp Genetics (formerly Invitae), Labcorp); PubMed 19810120 (cited by Labcorp Genetics (formerly Invitae), Labcorp); PubMed 16088908 (cited by Labcorp Genetics (formerly Invitae), Labcorp).

NM_000127.3(EXT1):c.1633-2A>G

Gene: EXT1 (exostosin glycosyltransferase 1; minus strand). Cytogenetic location: 8q24.11.
Variant type: single nucleotide variant.
Coding change: c.1633-2A>G on transcript NM_000127.3 (MANE Select); the canonical splice acceptor site of the intron before coding-DNA position 1633, A replaced by G.
Molecular consequence: splice acceptor variant.
Genome position (GRCh38, 1-based): chr8:117,812,963, T>C on the plus strand (A>G on the coding strand, the complement: EXT1 is on the minus strand). VCF-style: chr8-117812963-T-C. GRCh37 (hg19) VCF-style: chr8-118825202-T-C.
Identifiers: ClinVar variation 645969 (VCV000645969.50), dbSNP rs1233701691, ClinGen allele CA371881725.